The following is an entry in ClinVar:

NM_001365276.2(TNXB):c.9240G>A (p.Trp3080Ter)

Gene: TNXB (tenascin XB; minus strand). Cytogenetic location: 6p21.33.
Variant type: single nucleotide variant.
Coding change: c.9240G>A on transcript NM_001365276.2 (MANE Select); coding-DNA position 9240, G replaced by A.
Protein change: p.Trp3080Ter; replaces tryptophan 3080 with a stop codon.
Molecular consequence: nonsense.
Genome position (GRCh38, 1-based): chr6:32,050,197, C>T on the plus strand (G>A on the coding strand, the complement: TNXB is on the minus strand). VCF-style: chr6-32050197-C-T. GRCh37 (hg19) VCF-style: chr6-32017974-C-T.
Other names: c.9981G>A, p.Trp3327Ter (NM_001428335.1); c.9234G>A, p.Trp3078Ter (NM_019105.8); short protein forms W3078*, W3080*, W3327*.
Identifiers: ClinVar variation 5013639 (VCV005013639.1).

ClinVar aggregate classification (germline): Pathogenic (1 of 4 stars; one submission).

Conditions:
Ehlers-Danlos syndrome due to tenascin-X deficiency (EDSCLL1). Also called: Ehlers-Danlos syndrome, classic-like, 1; EHLERS-DANLOS SYNDROME, CLASSIC-LIKE; TNXB-Related Classical-Like Ehlers-Danlos Syndrome; EDS DUE TO TNX DEFICIENCY; TNX DEFICIENCY. Identifiers: Orphanet 230839, MedGen C1848029, MONDO:0011670, OMIM 606408.

Submission:

Myriad Genetics, Inc.
Classification: Pathogenic for Ehlers-Danlos syndrome due to tenascin-X deficiency. Last evaluated: 2024-10-16. Review status: criteria provided, single submitter. Criteria: Myriad Autosomal Dominant, Autosomal Recessive and X-Linked Classification Criteria (2023). Collection method: clinical testing. Allele origin: unknown.
Comment: NM_019105.6(TNXB):c.9234G>A(W3078*) is expected to be pathogenic in the context of classical-like Ehlers-Danlos syndrome, TNXB-related. This variant is predicted to lead to an abnormal or absent protein product due to the creation of a premature termination codon in TNXB, a gene where loss-of-function variants are known to be pathogenic. Please note: this variant was assessed in the context of healthy population screening.